The following is an entry in ClinVar:

NM_001851.6(COL9A1):c.812C>A (p.Pro271Gln)

Gene: COL9A1 (collagen type IX alpha 1 chain; minus strand). Cytogenetic location: 6q13.
Variant type: single nucleotide variant.
Coding change: c.812C>A on transcript NM_001851.6 (MANE Select); coding-DNA position 812, C replaced by A.
Protein change: p.Pro271Gln; replaces proline 271 with glutamine.
Molecular consequence: missense variant. On other transcripts: non-coding transcript variant (1).
Genome position (GRCh38, 1-based): chr6:70,281,454, G>T on the plus strand (C>A on the coding strand, the complement: COL9A1 is on the minus strand). VCF-style: chr6-70281454-G-T. GRCh37 (hg19) VCF-style: chr6-70991157-G-T.
Other names: c.83C>A, p.Pro28Gln (NM_001377289.1, NM_001377290.1, NM_078485.4); c.812C>A, p.Pro271Gln (NM_001377291.1); short protein forms P28Q, P271Q.
Identifiers: ClinVar variation 2097383 (VCV002097383.4), dbSNP rs1385358043, ClinGen allele CA364666028.
Genomic context (GRCh38, chr6:70,281,454, plus strand): 5'-ATGCCATCGATGCCTGGAACTCCAGGGGGGCCCGGAGGCCCGGGAGGACCCTGCTCACCC[G>T]GGGGACCTCTCTGGCAAAAATAGCAGACATAGGTTAGTGGAGCACATCGGGCAACAGGGA-3'
Protein context (NP_001842.3, residues 261-281): PSQTTDERGP[Pro271Gln]GEQGPPGPPG

ClinVar aggregate classification (germline): Uncertain significance (1 of 4 stars; one submission).

Submission:

Labcorp Genetics (formerly Invitae), Labcorp
Classification: Uncertain significance. Last evaluated: 2022-02-13. Review status: criteria provided, single submitter. Criteria: Invitae Variant Classification Sherloc (09022015). Collection method: clinical testing. Allele origin: germline.
Comment: This variant has not been reported in the literature in individuals affected with COL9A1-related conditions. This variant is not present in population databases (gnomAD no frequency). This sequence change replaces proline, which is neutral and non-polar, with glutamine, which is neutral and polar, at codon 271 of the COL9A1 protein (p.Pro271Gln). Advanced modeling of protein sequence and biophysical properties (such as structural, functional, and spatial information, amino acid conservation, physicochemical variation, residue mobility, and thermodynamic stability) performed at Invitae indicates that this missense variant is not expected to disrupt COL9A1 protein function. In summary, the available evidence is currently insufficient to determine the role of this variant in disease. Therefore, it has been classified as a Variant of Uncertain Significance.